The following is an entry in ClinVar:

ClinVar aggregate classification (germline): Likely pathogenic (1 of 4 stars; one submission).

Conditions:
Ehlers-Danlos syndrome, classic type, 1 (EDSCL1). Also called: EHLERS-DANLOS SYNDROME, GRAVIS TYPE; EHLERS-DANLOS SYNDROME, SEVERE CLASSIC TYPE; Ehlers-Danlos syndrome, type 1; Ehlers-Danlos Syndrome, Classic Type, COL5A1-Related; EDS I. Identifiers: MedGen C0268335, MONDO:0019567, OMIM 130000.
Osteogenesis imperfecta type I (OI1). Also called: OI, TYPE I; OSTEOGENESIS IMPERFECTA TARDA; OSTEOGENESIS IMPERFECTA WITH BLUE SCLERAE; Osteogenesis imperfecta type 1; Lobstein's Disease; Lobstein disease. Identifiers: Orphanet 216796, Orphanet 666, MedGen C0023931, MONDO:0008146, OMIM 166200. Disease mechanism: loss of function.

Allele frequency attached by ClinVar (database versions not stated): gnomAD exomes below 0.00001.
gnomAD v4.1: 1 of 1,613,154 alleles (0.000062%); highest among the groups gnomAD compares: South Asian, 0.0011%; no homozygotes.

Submission:

Labcorp Genetics (formerly Invitae), Labcorp
Classification: Likely pathogenic for Osteogenesis imperfecta type I; Ehlers-Danlos syndrome, classic type, 1. Last evaluated: 2021-11-06. Review status: criteria provided, single submitter. Criteria: Invitae Variant Classification Sherloc (09022015). Collection method: clinical testing. Allele origin: germline.
Comment: This sequence change affects an acceptor splice site in intron 6 of the COL1A2 gene. It is expected to disrupt RNA splicing. Variants that disrupt the donor or acceptor splice site typically lead to a loss of protein function (PMID: 16199547), and loss-of-function variants in COL1A2 are known to be pathogenic (PMID: 11288717, 15077201). In summary, the currently available evidence indicates that the variant is pathogenic, but additional data are needed to prove that conclusively. Therefore, this variant has been classified as Likely Pathogenic. Algorithms developed to predict the effect of sequence changes on RNA splicing suggest that this variant may disrupt the consensus splice site. Disruption of this splice site has been observed in individual(s) with clinical features of autosomal dominant osteogenesis imperfecta (Invitae). This variant is not present in population databases (gnomAD no frequency).

Literature cited by the submitters: PubMed 16199547; PubMed 11288717; PubMed 15077201.

NM_000089.4(COL1A2):c.280-2A>G

Gene: COL1A2 (collagen type I alpha 2 chain; plus strand). Cytogenetic location: 7q21.3.
Variant type: single nucleotide variant.
Coding change: c.280-2A>G on transcript NM_000089.4 (MANE Select); the canonical splice acceptor site of the intron before coding-DNA position 280, A replaced by G.
Molecular consequence: splice acceptor variant.
Genome position (GRCh38, 1-based): chr7:94,404,554, A>G. VCF-style: chr7-94404554-A-G. GRCh37 (hg19) VCF-style: chr7-94033866-A-G.
Identifiers: ClinVar variation 1477061 (VCV001477061.10), dbSNP rs2115874899, ClinGen allele CA368219414.